The following is an entry in ClinVar:

NM_003886.3(AKAP4):c.2235T>C (p.Gly745=)

Gene: AKAP4 (A-kinase anchoring protein 4; minus strand). Cytogenetic location: Xp11.22.
Variant type: single nucleotide variant.
Coding change: c.2235T>C on transcript NM_003886.3 (MANE Select); coding-DNA position 2235, T replaced by C.
Protein change: p.Gly745=; no amino-acid change (glycine 745 retained).
Molecular consequence: synonymous variant.
Genome position (GRCh38, 1-based): chrX:50,192,478, A>G on the plus strand (T>C on the coding strand, the complement: AKAP4 is on the minus strand). VCF-style: chrX-50192478-A-G. GRCh37 (hg19) VCF-style: chrX-49957129-A-G.
Other names: c.2208T>C, p.Gly736= (NM_139289.2).
Identifiers: ClinVar variation 2673231 (VCV002673231.23), dbSNP rs2519492916, ClinGen allele CA516679788.

ClinVar aggregate classification (germline): Likely benign (1 of 4 stars; one submission).

Submission:

CeGaT Center for Human Genetics Tuebingen
Classification: Likely benign. Last evaluated: 2023-11-01. Review status: criteria provided, single submitter. Criteria: CeGaT Center For Human Genetics Tuebingen Variant Classification Criteria Version 2. Collection method: clinical testing. Allele origin: germline. Affected: yes. Observed: 1 variant allele.
Comment: AKAP4: PM2:Supporting, BP4, BP7